The following is an entry in ClinVar:

NM_020297.4(ABCC9):c.817-14_817-4del

Gene: ABCC9 (ATP binding cassette subfamily C member 9; minus strand). Cytogenetic location: 12p12.1.
Variant type: Microsatellite.
Coding change: c.817-14_817-4del on transcript NM_020297.4 (MANE Select); 14 bases into the intron before coding-DNA position 817 through 4 bases into the intron before coding-DNA position 817, 11 bases deleted (TTTTTTTTCTT).
Molecular consequence: intron variant.
Genome position (GRCh38, 1-based): chr12:21,913,070-21,913,080, AAGAAAAAAAA deleted on the plus strand (TTTTTTTTCTT on the coding strand, the reverse complement: ABCC9 is on the minus strand); deleting any 11 consecutive bases within chr12:21,913,070-21,913,093 gives the same sequence; the c. name uses the placement nearest the transcript's 3' end. VCF-style (leftmost placement, unchanged base first): chr12-21913069-GAAGAAAAAAAA-G. GRCh37 (hg19) VCF-style: chr12-22066003-GAAGAAAAAAAA-G.
Other names: c.817-14_817-4delTTTTTTTTCTT (NM_005691.3); c.-48-14_-48-4del (NM_001377274.1); c.817-14_817-4del (NM_005691.4, NM_001377273.1).
Identifiers: ClinVar variation 416407 (VCV000416407.33), dbSNP rs774857795, ClinGen allele CA6481792.
Genomic context (GRCh38, chr12:21,913,069, plus strand): 5'-CTCTGTACATTGCAAGCCATATAGATGGAGTCCGATTTGGATGATCTGCAACTTTTTTCT[GAAGAAAAAAAA>G]AAGAAAAAAAAAACAGATGTAACAAAATAAAACTGCTTAGAGCAGTAACTAATCTCATGT-3'

ClinVar aggregate classification (germline): Conflicting classifications of pathogenicity. Review status: criteria provided, conflicting classifications (1 of 4 stars). 6 submissions from 6 submitters: Uncertain significance (1); Benign (1); Likely benign (4). Last evaluated 2026-01-27.

Conditions:
Cardiomyopathy (CMYO). Also called: Cardiomyopathies. Identifiers: Orphanet 167848, MedGen C0878544, MONDO:0004994, HP:0001638. Inheritance: Various modes of inheritance.
Dilated cardiomyopathy 1O (CMD1O). Also called: CARDIOMYOPATHY, DILATED, WITH VENTRICULAR TACHYCARDIA. Identifiers: Orphanet 154, MedGen C1837839, MONDO:0012062, OMIM 608569.

Submissions (6):

Labcorp Genetics (formerly Invitae), Labcorp
Classification: Likely benign for Dilated cardiomyopathy 1O. Last evaluated: 2026-01-27. Review status: criteria provided, single submitter. Criteria: Invitae Variant Classification Sherloc (09022015). Collection method: clinical testing. Allele origin: germline.

Laboratory of Genetics, Children's Clinical University Hospital Latvia
Classification: Likely benign. Last evaluated: 2025-02-16. Review status: criteria provided, single submitter. Criteria: ACMG Guidelines, 2015. Collection method: clinical testing. Allele origin: germline. Affected: yes.

Blueprint Genetics
Classification: Likely benign. Last evaluated: 2024-09-20. Review status: criteria provided, single submitter. Criteria: ACMG Guidelines, 2015. Collection method: clinical testing. Allele origin: germline.

CeGaT Center for Human Genetics Tuebingen
Classification: Likely benign. Last evaluated: 2024-05-01. Review status: criteria provided, single submitter. Criteria: CeGaT Center For Human Genetics Tuebingen Variant Classification Criteria Version 2. Collection method: clinical testing. Allele origin: germline. Affected: yes. Observed: 1 variant allele.
Comment: ABCC9: BP4

Women's Health and Genetics/Laboratory Corporation of America, LabCorp
Classification: Benign. Last evaluated: 2023-05-15. Review status: criteria provided, single submitter. Criteria: LabCorp Variant Classification Summary - May 2015. Collection method: clinical testing. Allele origin: germline.

CHEO Genetics Diagnostic Laboratory, Children's Hospital of Eastern Ontario
Classification: Uncertain significance for Cardiomyopathy. Last evaluated: 2017-02-22. Review status: criteria provided, single submitter. Criteria: ACMG Guidelines, 2015. Collection method: clinical testing. Allele origin: germline. Study: Canadian Open Genetics Repository.